The following is an entry in ClinVar:

ClinVar aggregate classification (germline): Pathogenic (1 of 4 stars; one submission).

Conditions:
Symmetrical dyschromatosis of extremities (DSH). Also called: DYSCHROMATOSIS SYMMETRICA HEREDITARIA 1; Dyschromatosis symmetrica hereditaria; RETICULATE ACROPIGMENTATION OF DOHI; SYMMETRIC DYSCHROMATOSIS OF THE EXTREMITIES. Identifiers: Orphanet 41, MedGen C0406775, MONDO:0007483, OMIM 127400.
Aicardi-Goutieres syndrome 6 (AGS6). Identifiers: Orphanet 51, MedGen C3539013, MONDO:0014007, OMIM 615010.

Submission:

Labcorp Genetics (formerly Invitae), Labcorp
Classification: Pathogenic for Aicardi-Goutieres syndrome 6; Symmetrical dyschromatosis of extremities. Last evaluated: 2022-05-12. Review status: criteria provided, single submitter. Criteria: Invitae Variant Classification Sherloc (09022015). Collection method: clinical testing. Allele origin: germline.
Comment: For these reasons, this variant has been classified as Pathogenic. This variant has not been reported in the literature in individuals affected with ADAR-related conditions. This variant is not present in population databases (gnomAD no frequency). This sequence change creates a premature translational stop signal (p.Leu334*) in the ADAR gene. It is expected to result in an absent or disrupted protein product. Loss-of-function variants in ADAR are known to be pathogenic (PMID: 22974014).

Literature cited by the submitters: PubMed 22974014.

NM_001111.5(ADAR):c.1000del (p.Val333_Leu334insTer)

Gene: ADAR (adenosine deaminase RNA specific; minus strand). Cytogenetic location: 1q21.3.
Variant type: Deletion.
Coding change: c.1000del on transcript NM_001111.5 (MANE Select); coding-DNA position 1000, one base deleted (C; older notation c.1000delC).
Protein change: p.Val333_Leu334insTer.
Molecular consequence: nonsense.
Genome position (GRCh38, 1-based): chr1:154,601,642, G deleted on the plus strand (C on the coding strand, the reverse complement: ADAR is on the minus strand). VCF-style (leftmost placement, unchanged base first): chr1-154601641-AG-A. GRCh37 (hg19) VCF-style: chr1-154574117-AG-A.
Other names: c.115del, p.Val38_Leu39insTer (NM_001025107.3, NM_001193495.2, NM_001365046.1 and 3 more transcripts); c.1027del, p.Val342_Leu343insTer (NM_001365045.1); c.1000del, p.Val333_Leu334insTer (NM_015840.4, NM_015841.4).
Identifiers: ClinVar variation 1993820 (VCV001993820.4), dbSNP rs2526655410, ClinGen allele CA2580061177.